The following is an entry in ClinVar:

ClinVar aggregate classification (germline): Conflicting classifications of pathogenicity. Review status: criteria provided, conflicting classifications (1 of 4 stars). 3 submissions from 3 submitters: Uncertain significance (2); Likely benign (1). Last evaluated 2023-10-24.

Conditions:
Hereditary cancer-predisposing syndrome. Also called: Hereditary neoplastic syndrome; Tumor predisposition; Hereditary Cancer Syndrome; Neoplastic Syndromes, Hereditary. Identifiers: Orphanet 140162, MedGen C0027672, MeSH D009386, MONDO:0015356.
Hereditary breast ovarian cancer syndrome. Also called: Hereditary breast and/or ovarian cancer syndrome; BRCA1- and BRCA2-Associated Hereditary Breast and Ovarian Cancer; Breast and ovarian cancer; Hereditary breast and ovarian cancer; Hereditary breast and ovarian cancer syndrome; Hereditary breast and ovarian cancer syndrome (HBOC). Identifiers: Orphanet 145, MedGen C0677776, MeSH D061325, MONDO:0003582. Disease mechanism: loss of function.

Submissions (3):

Labcorp Genetics (formerly Invitae), Labcorp
Classification: Uncertain significance for Hereditary breast ovarian cancer syndrome. Last evaluated: 2023-10-24. Review status: criteria provided, single submitter. Criteria: Invitae Variant Classification Sherloc (09022015). Collection method: clinical testing. Allele origin: germline.
Comment: This sequence change replaces asparagine, which is neutral and polar, with isoleucine, which is neutral and non-polar, at codon 2119 of the BRCA2 protein (p.Asn2119Ile). This variant is not present in population databases (gnomAD no frequency). This variant has not been reported in the literature in individuals affected with BRCA2-related conditions. ClinVar contains an entry for this variant (Variation ID: 495482). Advanced modeling of protein sequence and biophysical properties (such as structural, functional, and spatial information, amino acid conservation, physicochemical variation, residue mobility, and thermodynamic stability) performed at Invitae indicates that this missense variant is not expected to disrupt BRCA2 protein function with a negative predictive value of 95%. In summary, the available evidence is currently insufficient to determine the role of this variant in disease. Therefore, it has been classified as a Variant of Uncertain Significance.

University of Washington Department of Laboratory Medicine, University of Washington
Classification: Likely benign for Hereditary cancer-predisposing syndrome. Last evaluated: 2023-03-23. Review status: criteria provided, single submitter. Criteria: Dines et al. (Genet Med. 2020). Collection method: curation. Allele origin: germline.
Comment: Missense variant in a coldspot region where missense variants are very unlikely to be pathogenic (PMID:31911673).

BRCA2 exon 11 coldspot. Reclassification based on statistical prior probability.

Women's Health and Genetics/Laboratory Corporation of America, LabCorp
Classification: Uncertain significance. Last evaluated: 2017-02-06. Review status: criteria provided, single submitter. Criteria: LabCorp Variant Classification Summary - May 2015. Collection method: clinical testing. Allele origin: germline.
Comment: Variant summary: The BRCA2 c.6356A>T (p.Asn2119Ile) variant involves the alteration of a non-conserved nucleotide. 3/4 in silico tools predict a damaging outcome for this variant (SNPs&GO not captured due to low reliability index). This variant is absent in 119536 control chromosomes. The variant of interest has not, to our knowledge, been reported in affected individuals via publications and/or reputable databases/clinical diagnostic laboratories; nor evaluated for functional impact by in vivo/vitro studies. Because of the absence of clinical information and the lack of functional studies, the variant is classified as a variant of uncertain significance (VUS) until additional information becomes available.

NM_000059.4(BRCA2):c.6356A>T (p.Asn2119Ile)

Gene: BRCA2 (BRCA2 DNA repair associated; plus strand). Cytogenetic location: 13q13.1.
Variant type: single nucleotide variant.
Coding change: c.6356A>T on transcript NM_000059.4 (MANE Select); coding-DNA position 6356, A replaced by T.
Protein change: p.Asn2119Ile; replaces asparagine 2119 with isoleucine.
Molecular consequence: missense variant.
Genome position (GRCh38, 1-based): chr13:32,340,711, A>T. VCF-style: chr13-32340711-A-T. GRCh37 (hg19) VCF-style: chr13-32914848-A-T.
Other names: short protein forms N2119I.
Identifiers: ClinVar variation 495482 (VCV000495482.8), dbSNP rs1555284650, ClinGen allele CA387789139.